The following is an entry in ClinVar:

NM_153704.6(TMEM67):c.2950G>A (p.Ala984Thr)

Gene: TMEM67 (transmembrane protein 67; plus strand). Cytogenetic location: 8q22.1.
Variant type: single nucleotide variant.
Coding change: c.2950G>A on transcript NM_153704.6 (MANE Select); coding-DNA position 2950, G replaced by A.
Protein change: p.Ala984Thr; replaces alanine 984 with threonine.
Molecular consequence: missense variant. On other transcripts: non-coding transcript variant (1).
Genome position (GRCh38, 1-based): chr8:93,816,414, G>A. VCF-style: chr8-93816414-G-A. GRCh37 (hg19) VCF-style: chr8-94828642-G-A.
Other names: c.2707G>A, p.Ala903Thr (NM_001142301.1); short protein forms A903T, A984T.
Identifiers: ClinVar variation 3760636 (VCV003760636.2).

ClinVar aggregate classification (germline): Conflicting classifications of pathogenicity. Review status: criteria provided, conflicting classifications (1 of 4 stars). 2 submissions from 2 submitters: Uncertain significance (1); Likely benign (1). Last evaluated 2025-01-19.

Conditions:
Meckel-Gruber syndrome. Also called: Dysencephalia splachnocystica; DYSENCEPHALIA SPLANCHNOCYSTICA; GRUBER SYNDROME. Identifiers: Orphanet 564, MedGen C0265215, MONDO:0018921.
Joubert syndrome. Also called: Familial aplasia of the vermis; JOUBERT-BOLTSHAUSER SYNDROME. Identifiers: Orphanet 475, MedGen C5979921, MONDO:0018772.

gnomAD v4.1: 107 of 1,596,764 alleles (0.0067%); highest among the groups gnomAD compares: South Asian, 0.0078%; 1 homozygote.

Submissions (2):

Labcorp Genetics (formerly Invitae), Labcorp
Classification: Uncertain significance for Joubert syndrome; Meckel-Gruber syndrome. Last evaluated: 2025-01-19. Review status: criteria provided, single submitter. Criteria: Invitae Variant Classification Sherloc (09022015). Collection method: clinical testing. Allele origin: germline.
Comment: This sequence change replaces alanine, which is neutral and non-polar, with threonine, which is neutral and polar, at codon 984 of the TMEM67 protein (p.Ala984Thr). This variant is present in population databases (rs201226909, gnomAD 0.1%). This variant has not been reported in the literature in individuals affected with TMEM67-related conditions. Invitae Evidence Modeling of protein sequence and biophysical properties (such as structural, functional, and spatial information, amino acid conservation, physicochemical variation, residue mobility, and thermodynamic stability) indicates that this missense variant is expected to disrupt TMEM67 protein function with a positive predictive value of 95%. In summary, the available evidence is currently insufficient to determine the role of this variant in disease. Therefore, it has been classified as a Variant of Uncertain Significance.

Blueprint Genetics
Classification: Likely benign. Last evaluated: 2024-04-04. Review status: criteria provided, single submitter. Criteria: ACMG Guidelines, 2015. Collection method: clinical testing. Allele origin: germline.